The following is an entry in ClinVar:

NM_001385012.1(NBEA):c.7502T>C (p.Ile2501Thr)

Gene: NBEA (neurobeachin; plus strand). Cytogenetic location: 13q13.3.
Variant type: single nucleotide variant.
Coding change: c.7502T>C on transcript NM_001385012.1 (MANE Select); coding-DNA position 7502, T replaced by C.
Protein change: p.Ile2501Thr; replaces isoleucine 2501 with threonine.
Molecular consequence: missense variant.
Genome position (GRCh38, 1-based): chr13:35,628,133, T>C. VCF-style: chr13-35628133-T-C. GRCh37 (hg19) VCF-style: chr13-36202270-T-C.
Other names: c.881T>C, p.Ile294Thr (NM_001204197.3); c.7493T>C, p.Ile2498Thr (NM_001379245.1); c.7502T>C, p.Ile2501Thr (NM_015678.5); short protein forms I2498T, I2501T, I294T.
Identifiers: ClinVar variation 1699255 (VCV001699255.3), dbSNP rs1174437634, ClinGen allele CA387987717.

ClinVar aggregate classification (germline): Uncertain significance (1 of 4 stars; one submission).

Conditions:
Neurodevelopmental disorder with or without early-onset generalized epilepsy. Identifiers: MedGen C5436914, MONDO:0030930, OMIM 619157.

Allele frequency attached by ClinVar (database versions not stated): gnomAD exomes below 0.00001 and 0.00001.
gnomAD v4.1: 7 of 1,613,388 alleles (0.00043%); highest among the groups gnomAD compares: Non-Finnish European, 0.00059%; no homozygotes.

Submission:

Victorian Clinical Genetics Services, Murdoch Childrens Research Institute
Classification: Uncertain significance for Neurodevelopmental disorder with or without early-onset generalized epilepsy. Last evaluated: 2022-02-02. Review status: criteria provided, single submitter. Criteria: ACMG Guidelines, 2015. Collection method: clinical testing. Allele origin: germline. Inheritance: Autosomal dominant inheritance. Affected: yes.
Comment: Based on the classification scheme VCGS_Germline_v1.3.4, this variant is classified as VUS-3B. Following criteria are met: 0102 - Loss of function is a known mechanism of disease in this gene and is associated with neurodevelopmental disorder with or without early-onset generalized epilepsy (MIM#619157). (I) 0107 - This gene is associated with autosomal dominant disease. (I) 0200 - Variant is predicted to result in a missense amino acid change from isoleucine to threonine. (I) 0251 - This variant is heterozygous. (I) 0302 - Variant is present in gnomAD (v2) <0.001 for a dominant condition (1 heterozygote, 0 homozygotes). (SP) 0309 - An alternative amino acid change at the same position has been observed in gnomAD (v2) (17607 heterozygotes, 948 homozygotes). (I) 0501 - Missense variant consistently predicted to be damaging by multiple in silico tools but lowly conserved with the same change in a placental mammal, and a moderate amino acid change. (I) 0600 - Variant is located in the annotated BEACH domain (NCBI, UniProt). (I) 0705 - No comparable missense variants have previous evidence for pathogenicity. (I) 0807 - This variant has no previous evidence of pathogenicity. (I) 0905 - No published segregation evidence has been identified for this variant. (I) 1007 - No published functional evidence has been identified for this variant. (I) 1208 - Inheritance information for this variant is not currently available in this individual. (I) Legend: (SP) - Supporting pathogenic, (I) - Information, (SB) - Supporting benign